The following is an entry in ClinVar:

ClinVar aggregate classification (germline): Pathogenic (1 of 4 stars; one submission).

Submission:

GeneDx
Classification: Pathogenic. Last evaluated: 2026-10-16. Review status: criteria provided, single submitter. Criteria: GeneDx Variant Classification Process June 2021. Collection method: clinical testing. Allele origin: germline.
Comment: Frameshift variant predicted to result in protein truncation or nonsense mediated decay in a gene for which loss of function is a known mechanism of disease; Not observed at significant frequency in large population cohorts (gnomAD); Has not been previously published as pathogenic or benign to our knowledge

NM_016035.5(COQ4):c.130_137dup (p.Leu47fs)

Gene: COQ4 (coenzyme Q4; plus strand). Cytogenetic location: 9q34.11.
Variant type: Microsatellite.
Coding change: c.130_137dup on transcript NM_016035.5 (MANE Select); coding-DNA positions 130 to 137, 8 bases duplicated (ACCTCCCC; older notation c.130_137dupACCTCCCC).
Protein change: p.Leu47fs; shifts the reading frame from leucine 47.
Molecular consequence: frameshift variant.
Genome position (GRCh38, 1-based): chr9:128,323,075-128,323,082, ACCTCCCC duplicated; duplicating any 8 consecutive bases within chr9:128,323,065-128,323,082 gives the same sequence; the c. name uses the placement nearest the transcript's 3' end. VCF-style (leftmost placement, unchanged base first): chr9-128323064-A-ACCACCTCC. GRCh37 (hg19) VCF-style: chr9-131085343-A-ACCACCTCC.
Other names: c.130_137dup, p.Leu47fs (NM_001305942.2); short protein forms L47fs.
Identifiers: ClinVar variation 1686776 (VCV001686776.4), dbSNP rs749504112, ClinGen allele CA5260410.